The following is an entry in ClinVar:

ClinVar aggregate classification (germline): Likely benign. Review status: criteria provided, multiple submitters, no conflicts (2 of 4 stars). 3 submissions from 3 submitters: Likely benign (3). Last evaluated 2025-11-10.

Conditions:
Brugada syndrome 8 (BRGDA8). Identifiers: Orphanet 130, MedGen C2751083, MONDO:0013148, OMIM 613123.
Cardiovascular phenotype. Identifiers: MedGen CN230736.

Allele frequency attached by ClinVar (database versions not stated): gnomAD 0.00001; TOPMed 0.00003.
gnomAD v4.1: 22 of 1,600,996 alleles (0.0014%); highest among the groups gnomAD compares: Admixed American, 0.005%; no homozygotes.

Submissions (3):

Labcorp Genetics (formerly Invitae), Labcorp
Classification: Likely benign for Brugada syndrome 8. Last evaluated: 2025-11-10. Review status: criteria provided, single submitter. Criteria: Invitae Variant Classification Sherloc (09022015). Collection method: clinical testing. Allele origin: germline.

Ambry Genetics
Classification: Likely benign for Cardiovascular phenotype. Last evaluated: 2023-02-16. Review status: criteria provided, single submitter. Criteria: Ambry Variant Classification Scheme 2023. Collection method: clinical testing. Allele origin: germline.

GeneDx
Classification: Likely benign. Last evaluated: 2016-08-17. Review status: criteria provided, single submitter. Criteria: GeneDx Variant Classification (06012015). Collection method: clinical testing. Allele origin: germline. Affected: yes.
Comment: This variant is considered likely benign or benign based on one or more of the following criteria: it is a conservative change, it occurs at a poorly conserved position in the protein, it is predicted to be benign by multiple in silico algorithms, and/or has population frequency not consistent with disease.

NM_005477.3(HCN4):c.2508G>A (p.Ala836=)

Gene: HCN4 (hyperpolarization activated cyclic nucleotide gated potassium channel 4; minus strand). Cytogenetic location: 15q24.1.
Variant type: single nucleotide variant.
Coding change: c.2508G>A on transcript NM_005477.3 (MANE Select); coding-DNA position 2508, G replaced by A.
Protein change: p.Ala836=; no amino-acid change (alanine 836 retained).
Molecular consequence: synonymous variant.
Genome position (GRCh38, 1-based): chr15:73,323,585, C>T on the plus strand (G>A on the coding strand, the complement: HCN4 is on the minus strand). VCF-style: chr15-73323585-C-T. GRCh37 (hg19) VCF-style: chr15-73615926-C-T.
Identifiers: ClinVar variation 388739 (VCV000388739.11), dbSNP rs766293595, ClinGen allele CA7649012.